The following is an entry in ClinVar:

NM_002473.6(MYH9):c.4956C>T (p.Arg1652=)

Gene: MYH9 (myosin heavy chain 9; minus strand). Cytogenetic location: 22q12.3.
Variant type: single nucleotide variant.
Coding change: c.4956C>T on transcript NM_002473.6 (MANE Select); coding-DNA position 4956, C replaced by T.
Protein change: p.Arg1652=; no amino-acid change (arginine 1652 retained).
Molecular consequence: synonymous variant.
Genome position (GRCh38, 1-based): chr22:36,286,823, G>A on the plus strand (C>T on the coding strand, the complement: MYH9 is on the minus strand). VCF-style: chr22-36286823-G-A. GRCh37 (hg19) VCF-style: chr22-36682869-G-A.
Identifiers: ClinVar variation 178429 (VCV000178429.43), dbSNP rs148632964, ClinGen allele CA182314.
Genomic context (GRCh38, chr22:36,286,823, plus strand): 5'-CTCGTTCTCTTTGGCCTGGGCCAGGATCTCCTCACGAGAGGCGCGGGTGTCATCCAGCTC[G>A]CGCATGCAGTCCTTCATCTGGGCCTGGGGTGGGGACAGAGGCTTGGCACCCCACCCAGCT-3'
Protein context (NP_002464.1, residues 1642-1662): KLQAQMKDCM[Arg1652=]ELDDTRASRE

ClinVar aggregate classification (germline): Benign/Likely benign. Review status: criteria provided, multiple submitters, no conflicts (2 of 4 stars). 7 submissions from 6 submitters: Benign (2); Likely benign (5). Last evaluated 2026-06-01.

Conditions:
MYH9-related disorder. Identifiers: MedGen C1854520.
Autosomal dominant nonsyndromic hearing loss 17. Also called: Autosomal dominant nonsyndromic deafness 17; Deafness, autosomal dominant 17. Identifiers: Orphanet 90635, MedGen C1863659, MONDO:0011350, OMIM 603622.

Allele frequency attached by ClinVar (database versions not stated): ESP Exome Variant Server 0.00008; 1000 Genomes Project 30x 0.00016; gnomAD 0.00016 and 0.00022; 1000 Genomes Project 0.00020; gnomAD exomes 0.00023 and 0.00035; TOPMed 0.00023; ExAC 0.00036.
gnomAD v4.1: 375 of 1,610,012 alleles (0.023%); highest among the groups gnomAD compares: South Asian, 0.21%; 5 homozygotes.

Submissions (7):

CeGaT Center for Human Genetics Tuebingen
Classification: Likely benign. Last evaluated: 2026-06-01. Review status: criteria provided, single submitter. Criteria: CeGaT Center For Human Genetics Tuebingen Variant Classification Criteria Version 2. Collection method: clinical testing. Allele origin: germline. Affected: yes. Observed: 2 variant alleles.
Comment: MYH9: BP4, BP7

Labcorp Genetics (formerly Invitae), Labcorp
Classification: Benign. Last evaluated: 2026-01-19. Review status: criteria provided, single submitter. Criteria: Invitae Variant Classification Sherloc (09022015). Collection method: clinical testing. Allele origin: germline.

Blueprint Genetics
Classification: Likely benign. Last evaluated: 2024-09-30. Review status: criteria provided, single submitter. Criteria: ACMG Guidelines, 2015. Collection method: clinical testing. Allele origin: germline.

GeneDx
Classification: Likely benign. Last evaluated: 2018-08-16. Review status: criteria provided, single submitter. Criteria: GeneDx Variant Classification Process June 2021. Collection method: clinical testing. Allele origin: germline. Affected: yes.

Illumina Laboratory Services, Illumina
Classification: Benign for MYH9-related disorder. Last evaluated: 2018-01-13. Review status: criteria provided, single submitter. Criteria: ICSL Variant Classification Criteria 13 December 2019. Collection method: clinical testing. Allele origin: germline.
Comment: This variant was observed in the ICSL laboratory as part of a predisposition screen in an ostensibly healthy population. It had not been previously curated by ICSL or reported in the Human Gene Mutation Database (HGMD: prior to June 1st, 2018), and was therefore a candidate for classification through an automated scoring system. Utilizing variant allele frequency, disease prevalence and penetrance estimates, and inheritance mode, an automated score was calculated to assess if this variant is too frequent to cause the disease. Based on the score and internal cut-off values, a variant classified as benign is not then subjected to further curation. The score for this variant resulted in a classification of benign for this disease.

Illumina Laboratory Services, Illumina
Classification: Likely benign for Autosomal dominant nonsyndromic hearing loss 17. Last evaluated: 2018-01-13. Review status: criteria provided, single submitter. Criteria: ICSL Variant Classification Criteria 13 December 2019. Collection method: clinical testing. Allele origin: germline.
Comment: This variant was observed in the ICSL laboratory as part of a predisposition screen in an ostensibly healthy population. It had not been previously curated by ICSL or reported in the Human Gene Mutation Database (HGMD: prior to June 1st, 2018), and was therefore a candidate for classification through an automated scoring system. Utilizing variant allele frequency, disease prevalence and penetrance estimates, and inheritance mode, an automated score was calculated to assess if this variant is too frequent to cause the disease. Based on the score and internal cut-off values, a variant classified as likely benign is not then subjected to further curation. The score for this variant resulted in a classification of likely benign for this disease.

Laboratory for Molecular Medicine, Mass General Brigham Personalized Medicine
Classification: Likely benign. Last evaluated: 2016-04-18. Review status: criteria provided, single submitter. Criteria: LMM Criteria. Collection method: clinical testing. Allele origin: germline. Observed: 2 variant alleles.
Comment: p.Arg1652Arg in exon 35 of MYH9: This variant is not expected to have clinical s ignificance because it does not alter an amino acid residue, is not located with in the splice consensus sequence, and has been identified in 0.2% (31/16510) of South Asian chromosomes by the Exome Aggregation Consortium (ExAC; dbSNP rs148632964).